The following is an entry in ClinVar:

NM_032805.3(ZSCAN10):c.1471del (p.Leu491fs)

Gene: ZSCAN10 (zinc finger and SCAN domain containing 10; minus strand). Cytogenetic location: 16p13.3.
Variant type: Deletion.
Coding change: c.1471del on transcript NM_032805.3 (MANE Select); coding-DNA position 1471, one base deleted (C; older notation c.1471delC).
Protein change: p.Leu491fs; shifts the reading frame from leucine 491.
Molecular consequence: frameshift variant.
Genome position (GRCh38, 1-based): chr16:3,089,963, G deleted on the plus strand (C on the coding strand, the reverse complement: ZSCAN10 is on the minus strand); the first of 2 consecutive G bases (chr16:3,089,963-3,089,964); deleting either gives the same sequence. VCF-style (leftmost placement, unchanged base first): chr16-3089962-AG-A. GRCh37 (hg19) VCF-style: chr16-3139963-AG-A.
Other names: c.289del, p.Leu97fs (NM_001282415.2, NM_001365273.1); c.1060del, p.Leu354fs (NM_001282416.2); c.925del, p.Leu309fs (NM_001365272.1); short protein forms L309fs, L354fs, L491fs, L97fs.
Identifiers: ClinVar variation 4532358 (VCV004532358.1).

ClinVar aggregate classification (germline): Uncertain significance (1 of 4 stars; one submission).

Submission:

GeneDx
Classification: Uncertain significance. Last evaluated: 2022-10-13. Review status: criteria provided, single submitter. Criteria: GeneDx Variant Classification Process June 2021. Collection method: clinical testing. Allele origin: germline. Affected: yes.
Comment: Not observed at significant frequency in large population cohorts (gnomAD); Frameshift variant predicted to result in protein truncation as the last 290 amino acids are replaced with 107 different amino acids, although loss-of-function variants have not been reported downstream of this position in the protein; Has not been previously published as pathogenic or benign to our knowledge; Variants in candidate genes are classified as variants of uncertain significance in accordance with ACMG guidelines (Richards et al., 2015)